The following is an entry in ClinVar:

NM_014045.5(LRP10):c.1923G>A (p.Leu641=)

Gene: LRP10 (LDL receptor related protein 10; plus strand). Cytogenetic location: 14q11.2.
Variant type: single nucleotide variant.
Coding change: c.1923G>A on transcript NM_014045.5 (MANE Select); coding-DNA position 1923, G replaced by A.
Protein change: p.Leu641=; no amino-acid change (leucine 641 retained).
Molecular consequence: synonymous variant. On other transcripts: intron variant (1).
Genome position (GRCh38, 1-based): chr14:22,877,308, G>A. VCF-style: chr14-22877308-G-A. GRCh37 (hg19) VCF-style: chr14-23346517-G-A.
Other names: p.Leu641=; c.1668+255G>A (NM_001329226.2).
Identifiers: ClinVar variation 4683842 (VCV004683842.1).

ClinVar aggregate classification (germline): Likely benign (1 of 4 stars; one submission).

gnomAD v4.1: 286 of 1,611,804 alleles (0.018%); highest among the groups gnomAD compares: Middle Eastern, 0.099%; 2 homozygotes.

Submission:

Mayo Clinic Laboratories, Mayo Clinic
Classification: Likely benign. Last evaluated: 2025-08-29. Review status: criteria provided, single submitter. Criteria: ACMG Guidelines, 2015. Collection method: clinical testing. Allele origin: germline. Observed: 1 variant allele.
Comment: BS2, BP4, BP7

Literature cited by the submitters: PubMed 32995992.